The following is an entry in ClinVar:

ClinVar aggregate classification (germline): Likely benign. Review status: criteria provided, single submitter (1 of 4 stars). 2 submissions from 2 submitters: Likely benign (1). 1 of the submissions does not count toward it. Last evaluated 2025-01-20.

Conditions:
FOXP1-related disorder. Also called: FOXP1-related condition.

Allele frequency attached by ClinVar (database versions not stated): ExAC 0.00001; TOPMed 0.00001; gnomAD 0.00002; ESP Exome Variant Server 0.00008.
gnomAD v4.1: 3 of 1,613,896 alleles (0.00019%); highest among the groups gnomAD compares: African/African-American, 0.004%; no homozygotes.

Submissions (2):

Labcorp Genetics (formerly Invitae), Labcorp
Classification: Likely benign. Last evaluated: 2025-01-20. Review status: criteria provided, single submitter. Criteria: Invitae Variant Classification Sherloc (09022015). Collection method: clinical testing. Allele origin: germline.

PreventionGenetics, part of Exact Sciences
Classification: Likely benign for FOXP1-related condition. Last evaluated: 2022-11-08. Review status: no assertion criteria provided. Collection method: clinical testing. Allele origin: germline. Not counted in ClinVar's aggregate classification.
Comment: This variant is classified as likely benign based on ACMG/AMP sequence variant interpretation guidelines (Richards et al. 2015 PMID: 25741868, with internal and published modifications).

NM_001349338.3(FOXP1):c.1407A>G (p.Thr469=)

Gene: FOXP1 (forkhead box P1; minus strand). Cytogenetic location: 3p13.
Variant type: single nucleotide variant.
Coding change: c.1407A>G on transcript NM_001349338.3 (MANE Select); coding-DNA position 1407, A replaced by G.
Protein change: p.Thr469=; no amino-acid change (threonine 469 retained).
Molecular consequence: synonymous variant. On other transcripts: non-coding transcript variant (2).
Genome position (GRCh38, 1-based): chr3:70,977,664, T>C on the plus strand (A>G on the coding strand, the complement: FOXP1 is on the minus strand). VCF-style: chr3-70977664-T-C. GRCh37 (hg19) VCF-style: chr3-71026815-T-C.
Other names: c.1404A>G, p.Thr468= (NM_001244808.3, NM_001349341.3); c.1407A>G, p.Thr469= (NM_001244810.2, NM_001244814.3, NM_001244816.2 and 3 more transcripts); c.1179A>G, p.Thr393= (NM_001244812.3); c.1107A>G, p.Thr369= (NM_001244813.3, NM_001244815.2, NM_001349342.3); c.1104A>G, p.Thr368= (NM_001349337.2, NM_001349343.3, NM_001349344.3 and 1 more transcripts).
Identifiers: ClinVar variation 3061739 (VCV003061739.4), dbSNP rs141146918, ClinGen allele CA2490998.